The following is an entry in ClinVar:

ClinVar aggregate classification (germline): Uncertain significance. Review status: criteria provided, multiple submitters, no conflicts (2 of 4 stars). 3 submissions from 3 submitters: Uncertain significance (3). Last evaluated 2026-05-07.

Conditions:
Hereditary cancer-predisposing syndrome. Also called: Tumor predisposition; Neoplastic Syndromes, Hereditary; Hereditary Cancer Syndrome; Hereditary neoplastic syndrome. Identifiers: Orphanet 140162, MedGen C0027672, MeSH D009386, MONDO:0015356.
Cardiovascular phenotype. Identifiers: MedGen CN230736.

Allele frequency attached by ClinVar (database versions not stated): TOPMed 0.00001.

Submissions (3):

Women's Health and Genetics/Laboratory Corporation of America, LabCorp
Classification: Uncertain significance. Last evaluated: 2026-05-07. Review status: criteria provided, single submitter. Criteria: LabCorp Variant Classification Summary - May 2015. Collection method: clinical testing. Allele origin: germline.
Comment: Variant summary: LZTR1 c.1174G>A (p.Ala392Thr) results in a non-conservative amino acid change in the encoded protein sequence. Algorithms developed to predict the effect of missense changes on protein structure and function are either unavailable or do not agree on the potential impact of this missense change. The frequency data for this variant in gnomAD is considered unreliable, as metrics indicate poor data quality at this position. To our knowledge, no occurrence of c.1174G>A in individuals affected with LZTR1-related conditions and no experimental evidence demonstrating its impact on protein function have been reported. ClinVar contains an entry for this variant (Variation ID: 1740344). Based on the evidence outlined above, the variant was classified as uncertain significance.

Labcorp Genetics (formerly Invitae), Labcorp
Classification: Uncertain significance. Last evaluated: 2026-02-03. Review status: criteria provided, single submitter. Criteria: Invitae Variant Classification Sherloc (09022015). Collection method: clinical testing. Allele origin: germline.
Comment: This sequence change replaces alanine, which is neutral and non-polar, with threonine, which is neutral and polar, at codon 392 of the LZTR1 protein (p.Ala392Thr). This variant is not present in population databases (gnomAD no frequency). This variant has not been reported in the literature in individuals affected with LZTR1-related conditions. ClinVar contains an entry for this variant (Variation ID: 1740344). Invitae Evidence Modeling of protein sequence and biophysical properties (such as structural, functional, and spatial information, amino acid conservation, physicochemical variation, residue mobility, and thermodynamic stability) indicates that this missense variant is not expected to disrupt LZTR1 protein function with a negative predictive value of 80%. In summary, the available evidence is currently insufficient to determine the role of this variant in disease. Therefore, it has been classified as a Variant of Uncertain Significance.

Ambry Genetics
Classification: Uncertain significance for Cardiovascular phenotype; Hereditary cancer-predisposing syndrome. Last evaluated: 2022-04-19. Review status: criteria provided, single submitter. Criteria: Ambry Variant Classification Scheme 2023. Collection method: clinical testing. Allele origin: germline.
Comment: The p.A392T variant (also known as c.1174G>A), located in coding exon 11 of the LZTR1 gene, results from a G to A substitution at nucleotide position 1174. The alanine at codon 392 is replaced by threonine, an amino acid with similar properties. This amino acid position is conserved. In addition, this alteration is predicted to be tolerated by in silico analysis. Since supporting evidence is limited at this time, the clinical significance of this alteration remains unclear.

NM_006767.4(LZTR1):c.1174G>A (p.Ala392Thr)

Gene: LZTR1 (leucine zipper like post translational regulator 1; plus strand). Cytogenetic location: 22q11.21.
Variant type: single nucleotide variant.
Coding change: c.1174G>A on transcript NM_006767.4 (MANE Select); coding-DNA position 1174, G replaced by A.
Protein change: p.Ala392Thr; replaces alanine 392 with threonine.
Molecular consequence: missense variant.
Genome position (GRCh38, 1-based): chr22:20,992,818, G>A. VCF-style: chr22-20992818-G-A. GRCh37 (hg19) VCF-style: chr22-21347107-G-A.
Other names: short protein forms A392T.
Identifiers: ClinVar variation 1740344 (VCV001740344.11), dbSNP rs1280670708, ClinGen allele CA410773714.